The following is an entry in ClinVar:

ClinVar aggregate classification (germline): Uncertain significance (1 of 4 stars; one submission).

Conditions:
Hyperkalemic periodic paralysis. Also called: Familial hyperkalemic periodic paralysis; Gamstorp disease. Identifiers: Orphanet 682, MedGen C0238357, MONDO:0008224, OMIM 170500, HP:0007215.

gnomAD v4.1: 1 of 1,608,178 alleles (0.000062%); highest among the groups gnomAD compares: Non-Finnish European, 0.000085%; no homozygotes.

Submission:

Labcorp Genetics (formerly Invitae), Labcorp
Classification: Uncertain significance for Hyperkalemic periodic paralysis. Last evaluated: 2023-12-15. Review status: criteria provided, single submitter. Criteria: Invitae Variant Classification Sherloc (09022015). Collection method: clinical testing. Allele origin: germline.
Comment: This sequence change creates a premature translational stop signal (p.Trp1817*) in the SCN4A gene. While this is not anticipated to result in nonsense mediated decay, it is expected to disrupt the last 20 amino acid(s) of the SCN4A protein. This variant is not present in population databases (gnomAD no frequency). This variant has not been reported in the literature in individuals affected with SCN4A-related conditions. Experimental studies and prediction algorithms are not available or were not evaluated, and the functional significance of this variant is currently unknown. In summary, the available evidence is currently insufficient to determine the role of this variant in disease. Therefore, it has been classified as a Variant of Uncertain Significance.

NM_000334.4(SCN4A):c.5451G>A (p.Trp1817Ter)

Genes: GH-LCR (growth hormone locus control region; plus strand), SCN4A (sodium voltage-gated channel alpha subunit 4; minus strand). Cytogenetic location: 17q23.3.
Variant type: single nucleotide variant.
Coding change: c.5451G>A on transcript NM_000334.4 (MANE Select); coding-DNA position 5451, G replaced by A.
Protein change: p.Trp1817Ter; replaces tryptophan 1817 with a stop codon.
Molecular consequence: nonsense.
Genome position (GRCh38, 1-based): chr17:63,940,831, C>T on the plus strand (G>A on the coding strand, the complement: SCN4A is on the minus strand). VCF-style: chr17-63940831-C-T. GRCh37 (hg19) VCF-style: chr17-62018191-C-T.
Other names: short protein forms W1817*.
Identifiers: ClinVar variation 2760158 (VCV002760158.3), dbSNP rs1555600494, ClinGen allele CA400610243.
Genomic context (GRCh38, chr17:63,940,831, plus strand): 5'-CTAGACAAGAGACTCCTTGACACCTGGGCGCACAGTCTGCCCTGGGGGAGGGGCGGGAGG[C>T]CAGGCAGTGTCTGAGGGGCTGATGGGCATCAGCCCCATAGTGGGTCCGGCGTCCCCTGCC-3'